The following is an entry in ClinVar:

NM_002454.3(MTRR):c.862_869del (p.Asp288fs)

Gene: MTRR (5-methyltetrahydrofolate-homocysteine methyltransferase reductase; plus strand). Cytogenetic location: 5p15.31.
Variant type: Deletion.
Coding change: c.862_869del on transcript NM_002454.3 (MANE Select); coding-DNA positions 862 to 869, 8 bases deleted (GATGCCAT; older notation c.862_869delGATGCCAT).
Protein change: p.Asp288fs; shifts the reading frame from aspartic acid 288.
Molecular consequence: frameshift variant. On other transcripts: non-coding transcript variant (14).
Genome position (GRCh38, 1-based): chr5:7,883,236-7,883,243, GATGCCAT deleted; deleting any 8 consecutive bases within chr5:7,883,234-7,883,243 gives the same sequence; the c. name uses the placement nearest the transcript's 3' end. VCF-style (leftmost placement, unchanged base first): chr5-7883233-AATGATGCC-A. GRCh37 (hg19) VCF-style: chr5-7883346-AATGATGCC-A.
Other names: c.862_869del, p.Asp288fs (NM_001364440.2, NM_001364441.2, NM_001364442.2 and 1 more transcripts); short protein forms D288fs.
Identifiers: ClinVar variation 4057987 (VCV004057987.2).

ClinVar aggregate classification (germline): Likely pathogenic (1 of 4 stars; one submission).

Conditions:
Methylcobalamin deficiency type cblE (HMAE). Also called: HOMOCYSTINURIA-MEGALOBLASTIC ANEMIA, cblE COMPLEMENTATION TYPE; VITAMIN B12-RESPONSIVE HOMOCYSTINURIA, cblE TYPE; HOMOCYSTINURIA-MEGALOBLASTIC ANEMIA, cblE TYPE. Identifiers: Orphanet 2169, Orphanet 622, MedGen C1856057, MONDO:0009354, OMIM 236270.

Submission:

Natera, Inc.
Classification: Likely pathogenic for CblE complementation type homocystinuria-megaloblastic anemia due to defect in cobalamin metabolism. Last evaluated: 2025-03-31. Review status: criteria provided, single submitter. Criteria: Natera Variant Classification Schema (03/2026). Collection method: clinical testing. Allele origin: germline.
Comment: The c.862_869del variant in MTRR is a frameshift variant predicted to shift the reading frame beginning at codon 288 and leads to a stop codon 29 codons downstream. This variant is expected to result in nonsense mediated decay, truncation, or a dysfunctional protein product. This variant is rare in the general population with a frequency below the threshold expected for the associated phenotype(s). Given the available evidence, this variant is classified as Likely Pathogenic.